The following is an entry in ClinVar:

ClinVar aggregate classification (germline): Uncertain significance. Review status: criteria provided, multiple submitters, no conflicts (2 of 4 stars). 2 submissions from 2 submitters: Uncertain significance (2). Last evaluated 2025-07-02.

Conditions:
Inborn genetic diseases. Identifiers: MedGen C0950123, MeSH D030342.
Familial encephalopathy with neuroserpin inclusion bodies. Also called: ENCEPHALOPATHY, FAMILIAL, WITH COLLINS BODIES. Identifiers: Orphanet 85110, MedGen C1858680, MONDO:0011412, OMIM 604218.

Allele frequency attached by ClinVar (database versions not stated): gnomAD exomes below 0.00001; ExAC 0.00001.
gnomAD v4.1: 2 of 1,582,808 alleles (0.00013%); highest among the groups gnomAD compares: East Asian, 0.0045%; no homozygotes.

Submissions (2):

Labcorp Genetics (formerly Invitae), Labcorp
Classification: Uncertain significance for Familial encephalopathy with neuroserpin inclusion bodies. Last evaluated: 2025-07-02. Review status: criteria provided, single submitter. Criteria: Invitae Variant Classification Sherloc (09022015). Collection method: clinical testing. Allele origin: germline.
Comment: This sequence change replaces aspartic acid, which is acidic and polar, with valine, which is neutral and non-polar, at codon 327 of the SERPINI1 protein (p.Asp327Val). This variant is present in population databases (rs748148345, gnomAD 0.006%). This variant has not been reported in the literature in individuals affected with SERPINI1-related conditions. ClinVar contains an entry for this variant (Variation ID: 2609121). An algorithm developed to predict the effect of missense changes on protein structure and function (PolyPhen-2) suggests that this variant is likely to be tolerated. Algorithms developed to predict the effect of sequence changes on RNA splicing suggest that this variant may create or strengthen a splice site. In summary, the available evidence is currently insufficient to determine the role of this variant in disease. Therefore, it has been classified as a Variant of Uncertain Significance.

Ambry Genetics
Classification: Uncertain significance for Inborn genetic diseases. Last evaluated: 2023-06-30. Review status: criteria provided, single submitter. Criteria: Ambry Variant Classification Scheme 2023. Collection method: clinical testing. Allele origin: germline.

NM_001122752.2(SERPINI1):c.980A>T (p.Asp327Val)

Gene: SERPINI1 (serpin family I member 1; plus strand). Cytogenetic location: 3q26.1.
Variant type: single nucleotide variant.
Coding change: c.980A>T on transcript NM_001122752.2 (MANE Select); coding-DNA position 980, A replaced by T.
Protein change: p.Asp327Val; replaces aspartic acid 327 with valine.
Molecular consequence: missense variant.
Genome position (GRCh38, 1-based): chr3:167,822,986, A>T. VCF-style: chr3-167822986-A-T. GRCh37 (hg19) VCF-style: chr3-167540774-A-T.
Other names: c.980A>T, p.Asp327Val (NM_005025.5); short protein forms D327V.
Identifiers: ClinVar variation 2609121 (VCV002609121.4), dbSNP rs748148345, ClinGen allele CA2694954.